The following is an entry in ClinVar:

ClinVar aggregate classification (germline): Pathogenic (1 of 4 stars; one submission).

Conditions:
Hereditary cancer-predisposing syndrome. Also called: Tumor predisposition; Neoplastic Syndromes, Hereditary; Hereditary neoplastic syndrome; Hereditary Cancer Syndrome. Identifiers: Orphanet 140162, MedGen C0027672, MeSH D009386, MONDO:0015356.

Submission:

Molecular Diagnostics Laboratory, Catalan Institute of Oncology
Classification: Pathogenic for Hereditary cancer-predisposing syndrome. Last evaluated: 2025-04-13. Review status: criteria provided, single submitter. Criteria: ClinGen BRCA1BRCA2 ACMG Specifications BRCA1 V1.0.0. Collection method: clinical testing. Allele origin: germline.
Comment: PVS1, PM5_PTC_strong c.815_824dup, located in exon 10 of the BRCA1 gene, consists in the duplication of 10 nucleotides, causing a translational frameshift with a predicted alternate stop codon (p.(Thr276AlafsTer14)). This alteration isexpected to result in loss of function by premature protein truncation and nonsense-mediated mRNA decay (PVS1, PM5_PTC_strong). This variant is found in 2/267630 alleles at a frequency of 0.0007% in the gnomAD v2.1.1 database, non-cancer dataset. The SpliceAI algorithm predicts no significant impact on splicing. To our knowledge, neither relevant clinical data nor well-stablished functional studies have been reported for this variant. It has been reported as a pathogenic variant in ClinVar, LOVD and BRCA Exchange. Based on the currently available information, c.815_824dup is classified as a pathogenic variant according to ClinGen-BRCA1 Guidelines version 1.

NM_007294.4(BRCA1):c.817_818insATGTGGAGCC (p.Pro273fs)

Gene: BRCA1 (BRCA1 DNA repair associated; minus strand). Cytogenetic location: 17q21.31.
Variant type: Insertion.
Coding change: c.817_818insATGTGGAGCC on transcript NM_007294.4 (MANE Select); coding-DNA positions 817 to 818, ATGTGGAGCC inserted.
Protein change: p.Pro273fs; shifts the reading frame from proline 273.
Molecular consequence: frameshift variant. On other transcripts: intron variant (137), 5 prime UTR variant (2).
Genome position: GRCh38 VCF-style: chr17-43094713-G-GGGCTCCACAT. GRCh37 (hg19) VCF-style: chr17-41246730-G-GGGCTCCACAT.
Other names: c.673_674insATGTGGAGCC, p.Pro225fs (NM_001407842.1, NM_001407843.1, NM_001407844.1 and 20 more transcripts); c.577+30_577+31insCATGTGGAGC (NM_001408514.1, NM_001408485.1, NM_001408483.1 and 9 more transcripts); c.661+30_661+31insCATGTGGAGC (NM_001408447.1, NM_001408433.1, NM_001408448.1 and 6 more transcripts); c.784+30_784+31insCATGTGGAGC (NM_001408400.1, NM_001408392.1, NM_001407986.1 and 13 more transcripts); c.664+30_664+31insCATGTGGAGC (NM_001408441.1, NM_001408437.1, NM_001408429.1 and 12 more transcripts); c.787+30_787+31insCATGTGGAGC (NM_001407979.1, NM_001407977.1, NM_001407982.1 and 19 more transcripts); c.646+30_646+31insCATGTGGAGC (NM_001408410.1, NM_001408466.1, NM_001408452.1 and 11 more transcripts); c.709+30_709+31insCATGTGGAGC (NM_001408415.1, NM_001408409.1, NM_001408414.1 and 2 more transcripts); and 40 more; short protein forms P105fs, P145fs, P146fs, P161fs, P162fs, P184fs, P185fs, P202fs.
Identifiers: ClinVar variation 4082360 (VCV004082360.1).
Genomic context (GRCh38, chr17:43,094,713, plus strand): 5'-GTGAGTAATAAACTGCTGTTCTCATGCTGTAATGAGCTGGCATGAGTATTTGTGCCACAT[G>GGGCTCCACAT]GCTCCACATGCAAGTTTGAAACAGAACTACCCTGATACTTTTCTGGATGCCTCTCAGCTG-3'